The following is an entry in ClinVar:

NM_000525.4(KCNJ11):c.390T>C (p.Thr130=)

Gene: KCNJ11 (potassium inwardly rectifying channel subfamily J member 11; minus strand). Cytogenetic location: 11p15.1.
Variant type: single nucleotide variant.
Coding change: c.390T>C on transcript NM_000525.4 (MANE Select); coding-DNA position 390, T replaced by C.
Protein change: p.Thr130=; no amino-acid change (threonine 130 retained).
Molecular consequence: synonymous variant.
Genome position (GRCh38, 1-based): chr11:17,387,702, A>G on the plus strand (T>C on the coding strand, the complement: KCNJ11 is on the minus strand). VCF-style: chr11-17387702-A-G. GRCh37 (hg19) VCF-style: chr11-17409249-A-G.
Other names: c.129T>C, p.Thr43= (NM_001166290.2, NM_001377296.1, NM_001377297.1).
Identifiers: ClinVar variation 4980502 (VCV004980502.1).

ClinVar aggregate classification (germline): Likely benign (1 of 4 stars; one submission).

Conditions:
KCNJ11-related disorder. Also called: KCNJ11-related condition; KCNJ11-related disorders.

Submission:

PreventionGenetics, part of Exact Sciences
Classification: Likely benign for KCNJ11-related condition. Last evaluated: 2025-10-03. Review status: criteria provided, single submitter. Criteria: ACMG Guidelines, 2015. Collection method: clinical testing. Allele origin: germline.
Comment: This variant is classified as likely benign based on ACMG/AMP sequence variant interpretation guidelines (Richards et al. 2015 PMID: 25741868, with internal and published modifications).